The following is an entry in ClinVar:

NM_000038.6(APC):c.2641T>C (p.Ser881Pro)

Gene: APC (APC regulator of Wnt signaling pathway; plus strand). Cytogenetic location: 5q22.2.
Variant type: single nucleotide variant.
Coding change: c.2641T>C on transcript NM_000038.6 (MANE Select); coding-DNA position 2641, T replaced by C.
Protein change: p.Ser881Pro; replaces serine 881 with proline.
Molecular consequence: missense variant. On other transcripts: non-coding transcript variant (2).
Genome position (GRCh38, 1-based): chr5:112,838,235, T>C. VCF-style: chr5-112838235-T-C. GRCh37 (hg19) VCF-style: chr5-112173932-T-C.
Other names: c.2641T>C, p.Ser881Pro (NM_001127510.3, NM_001354895.2, NM_001407450.1); c.2587T>C, p.Ser863Pro (NM_001127511.3); c.2695T>C, p.Ser899Pro (NM_001354896.2, NM_001407447.1, NM_001407448.1 and 1 more transcripts); c.2671T>C, p.Ser891Pro (NM_001354897.2); c.2566T>C, p.Ser856Pro (NM_001354898.2); c.2557T>C, p.Ser853Pro (NM_001354899.2); c.2518T>C, p.Ser840Pro (NM_001354900.2); c.2464T>C, p.Ser822Pro (NM_001354901.2, NM_001407453.1); and 11 more; short protein forms S497P, S598P, S790P, S798P, S840P, S874P, S899P, S752P.
Identifiers: ClinVar variation 2774857 (VCV002774857.5), dbSNP rs905341123, ClinGen allele CA16027107.

ClinVar aggregate classification (germline): Uncertain significance. Review status: criteria provided, multiple submitters, no conflicts (2 of 4 stars). 2 submissions from 2 submitters: Uncertain significance (2). Last evaluated 2024-03-06.

Conditions:
Familial adenomatous polyposis 1 (FAP1). Also called: FAMILIAL ADENOMATOUS POLYPOSIS 1, ATTENUATED; POLYPOSIS, ADENOMATOUS INTESTINAL. Identifiers: MedGen C2713442, MONDO:0021056, OMIM 175100. Disease mechanism: loss of function.
Hereditary cancer-predisposing syndrome. Also called: Neoplastic Syndromes, Hereditary; Tumor predisposition; Hereditary Cancer Syndrome; Hereditary neoplastic syndrome. Identifiers: Orphanet 140162, MedGen C0027672, MeSH D009386, MONDO:0015356.

gnomAD v4.1: 1 of 1,614,170 alleles (0.000062%); highest among the groups gnomAD compares: Admixed American, 0.0017%; no homozygotes.

Submissions (2):

Color Diagnostics, LLC DBA Color Health
Classification: Uncertain significance for Hereditary cancer-predisposing syndrome. Last evaluated: 2024-03-06. Review status: criteria provided, single submitter. Criteria: ACMG Guidelines, 2015. Collection method: clinical testing. Allele origin: germline.
Comment: This missense variant replaces serine with proline at codon 881 of the APC protein. Computational prediction suggests that this variant may not impact protein structure and function (internally defined REVEL score threshold <= 0.5, PMID: 27666373). To our knowledge, functional studies have not been reported for this variant. This variant has not been reported in individuals affected with hereditary cancer in the literature. This variant has been identified in 1/250756 chromosomes in the general population by the Genome Aggregation Database (gnomAD). The available evidence is insufficient to determine the role of this variant in disease conclusively. Therefore, this variant is classified as a Variant of Uncertain Significance.

Labcorp Genetics (formerly Invitae), Labcorp
Classification: Uncertain significance for Familial adenomatous polyposis 1. Last evaluated: 2024-01-27. Review status: criteria provided, single submitter. Criteria: Invitae Variant Classification Sherloc (09022015). Collection method: clinical testing. Allele origin: germline.
Comment: This sequence change replaces serine, which is neutral and polar, with proline, which is neutral and non-polar, at codon 881 of the APC protein (p.Ser881Pro). This variant is present in population databases (no rsID available, gnomAD 0.003%). This variant has not been reported in the literature in individuals affected with APC-related conditions. Advanced modeling of protein sequence and biophysical properties (such as structural, functional, and spatial information, amino acid conservation, physicochemical variation, residue mobility, and thermodynamic stability) performed at Invitae indicates that this missense variant is not expected to disrupt APC protein function with a negative predictive value of 95%. In summary, the available evidence is currently insufficient to determine the role of this variant in disease. Therefore, it has been classified as a Variant of Uncertain Significance.